The following is an entry in ClinVar:

ClinVar aggregate classification (germline): Uncertain significance. Review status: criteria provided, multiple submitters, no conflicts (2 of 4 stars). 2 submissions from 2 submitters: Uncertain significance (2). Last evaluated 2024-04-08.

Conditions:
Hereditary cancer-predisposing syndrome. Also called: Hereditary Cancer Syndrome; Hereditary neoplastic syndrome; Neoplastic Syndromes, Hereditary; Tumor predisposition. Identifiers: Orphanet 140162, MedGen C0027672, MeSH D009386, MONDO:0015356.

Allele frequency attached by ClinVar (database versions not stated): TOPMed 0.00001; gnomAD 0.00004.
gnomAD v4.1: 8 of 1,613,882 alleles (0.0005%); highest among the groups gnomAD compares: African/African-American, 0.011%; no homozygotes.

Submissions (2):

Labcorp Genetics (formerly Invitae), Labcorp
Classification: Uncertain significance for Hereditary cancer-predisposing syndrome. Last evaluated: 2024-04-08. Review status: criteria provided, single submitter. Criteria: Invitae Variant Classification Sherloc (09022015). Collection method: clinical testing. Allele origin: germline.
Comment: This sequence change replaces aspartic acid, which is acidic and polar, with glycine, which is neutral and non-polar, at codon 522 of the RAD50 protein (p.Asp522Gly). This variant is not present in population databases (gnomAD no frequency). This variant has not been reported in the literature in individuals affected with RAD50-related conditions. ClinVar contains an entry for this variant (Variation ID: 216620). Advanced modeling of protein sequence and biophysical properties (such as structural, functional, and spatial information, amino acid conservation, physicochemical variation, residue mobility, and thermodynamic stability) has been performed at Invitae for this missense variant, however the output from this modeling did not meet the statistical confidence thresholds required to predict the impact of this variant on RAD50 protein function. In summary, the available evidence is currently insufficient to determine the role of this variant in disease. Therefore, it has been classified as a Variant of Uncertain Significance.

Ambry Genetics
Classification: Uncertain significance for Hereditary cancer-predisposing syndrome. Last evaluated: 2023-10-23. Review status: criteria provided, single submitter. Criteria: Ambry Variant Classification Scheme 2023. Collection method: clinical testing. Allele origin: germline.
Comment: The p.D522G variant (also known as c.1565A>G), located in coding exon 10 of the RAD50 gene, results from an A to G substitution at nucleotide position 1565. The aspartic acid at codon 522 is replaced by glycine, an amino acid with similar properties. This amino acid position is highly conserved in available vertebrate species. In addition, this alteration is predicted to be deleterious by in silico analysis. Since supporting evidence is limited at this time, the clinical significance of this alteration remains unclear.

NM_005732.4(RAD50):c.1565A>G (p.Asp522Gly)

Gene: RAD50 (RAD50 double strand break repair protein; plus strand). Cytogenetic location: 5q31.1.
Variant type: single nucleotide variant.
Coding change: c.1565A>G on transcript NM_005732.4 (MANE Select); coding-DNA position 1565, A replaced by G.
Protein change: p.Asp522Gly; replaces aspartic acid 522 with glycine.
Molecular consequence: missense variant.
Genome position (GRCh38, 1-based): chr5:132,591,336, A>G. VCF-style: chr5-132591336-A-G. GRCh37 (hg19) VCF-style: chr5-131927028-A-G.
Other names: short protein forms D522G.
Identifiers: ClinVar variation 216620 (VCV000216620.16), dbSNP rs863224737, ClinGen allele CA336301.